The following is an entry in ClinVar:

ClinVar aggregate classification (germline): Pathogenic (1 of 4 stars; one submission).

Conditions:
Breast-ovarian cancer, familial, susceptibility to, 2 (BROVCA2). Also called: BRCA2 Hereditary Breast and Ovarian Cancer. Identifiers: Orphanet 145, MedGen C2675520, MONDO:0012933, OMIM 612555. Disease mechanism: loss of function.

Submission:

Myriad Genetics, Inc.
Classification: Pathogenic for Breast-ovarian cancer, familial, susceptibility to, 2. Last evaluated: 2024-05-06. Review status: criteria provided, single submitter. Criteria: Myriad Autosomal Dominant, Autosomal Recessive and X-Linked Classification Criteria (2023). Collection method: clinical testing. Allele origin: unknown.
Comment: This variant is considered pathogenic. This variant creates a frameshift predicted to result in premature protein truncation.

NM_000059.4(BRCA2):c.9605dup (p.Tyr3203fs)

Gene: BRCA2 (BRCA2 DNA repair associated; plus strand). Cytogenetic location: 13q13.1.
Variant type: Duplication.
Coding change: c.9605dup on transcript NM_000059.4 (MANE Select); coding-DNA position 9605, one base duplicated (C; older notation c.9605dupC).
Protein change: p.Tyr3203fs; shifts the reading frame from tyrosine 3203.
Molecular consequence: frameshift variant. On other transcripts: non-coding transcript variant (1).
Genome position (GRCh38, 1-based): chr13:32,397,001, C duplicated; the last of 2 consecutive C bases (chr13:32,397,000-32,397,001); duplicating either gives the same sequence. VCF-style (leftmost placement, unchanged base first): chr13-32396999-G-GC. GRCh37 (hg19) VCF-style: chr13-32971136-G-GC.
Other names: c.9509dup, p.Tyr3171fs (NM_001406719.1); c.9554dup, p.Tyr3186fs (NM_001406720.1); c.4673dup, p.Tyr1559fs (NM_001406721.1); c.3188dup, p.Tyr1064fs (NM_001406722.1); short protein forms Y1064fs, Y1559fs, Y3171fs, Y3186fs, Y3203fs.
Identifiers: ClinVar variation 3254382 (VCV003254382.1), dbSNP rs2548563794.